The following is an entry in ClinVar:

NM_031433.4(MFRP):c.451C>G (p.Pro151Ala)

Genes: C1QTNF5 (C1q and TNF related 5; minus strand), MFRP (membrane frizzled-related protein; minus strand). Cytogenetic location: 11q23.3.
Variant type: single nucleotide variant.
Coding change: c.451C>G on transcript NM_031433.4 (MANE Select); coding-DNA position 451, C replaced by G.
Protein change: p.Pro151Ala; replaces proline 151 with alanine.
Molecular consequence: missense variant. On other transcripts: 5 prime UTR variant (1).
Genome position (GRCh38, 1-based): chr11:119,345,610, G>C on the plus strand (C>G on the coding strand, the complement: MFRP is on the minus strand). VCF-style: chr11-119345610-G-C. GRCh37 (hg19) VCF-style: chr11-119216320-G-C.
Other names: c.-2186C>G (NM_015645.5); short protein forms P151A.
Identifiers: ClinVar variation 1062328 (VCV001062328.9), dbSNP rs770853687, ClinGen allele CA6320544.

ClinVar aggregate classification (germline): Uncertain significance. Review status: criteria provided, multiple submitters, no conflicts (2 of 4 stars). 2 submissions from 2 submitters: Uncertain significance (2). Last evaluated 2025-09-22.

Conditions:
Inborn genetic diseases. Identifiers: MedGen C0950123, MeSH D030342.
Isolated microphthalmia 5. Also called: Posterior Microphthalmia with Retinitis Pigmentosa, Foveoschisis, and Optic Disc Drusen. Identifiers: Orphanet 251279, MedGen C1970236, MONDO:0012605, OMIM 611040.

Allele frequency attached by ClinVar (database versions not stated): ExAC 0.00002; gnomAD exomes below 0.00001 and 0.00002; TOPMed 0.00001.
gnomAD v4.1: 7 of 1,613,586 alleles (0.00043%); highest among the groups gnomAD compares: Admixed American, 0.0033%; no homozygotes.

Submissions (2):

Ambry Genetics
Classification: Uncertain significance for Inborn genetic diseases. Last evaluated: 2025-09-22. Review status: criteria provided, single submitter. Criteria: Ambry Variant Classification Scheme 2023. Collection method: clinical testing. Allele origin: germline.

Labcorp Genetics (formerly Invitae), Labcorp
Classification: Uncertain significance for Isolated microphthalmia 5. Last evaluated: 2024-11-18. Review status: criteria provided, single submitter. Criteria: Invitae Variant Classification Sherloc (09022015). Collection method: clinical testing. Allele origin: germline.
Comment: This sequence change replaces proline, which is neutral and non-polar, with alanine, which is neutral and non-polar, at codon 151 of the MFRP protein (p.Pro151Ala). This variant is present in population databases (rs770853687, gnomAD 0.006%). This variant has not been reported in the literature in individuals affected with MFRP-related conditions. ClinVar contains an entry for this variant (Variation ID: 1062328). Invitae Evidence Modeling of protein sequence and biophysical properties (such as structural, functional, and spatial information, amino acid conservation, physicochemical variation, residue mobility, and thermodynamic stability) has been performed for this missense variant. However, the output from this modeling did not meet the statistical confidence thresholds required to predict the impact of this variant on MFRP protein function. In summary, the available evidence is currently insufficient to determine the role of this variant in disease. Therefore, it has been classified as a Variant of Uncertain Significance.